The following is an entry in ClinVar:

ClinVar aggregate classification (germline): Uncertain significance (1 of 4 stars; one submission).

gnomAD v4.1: 1 of 1,613,224 alleles (0.000062%); highest among the groups gnomAD compares: Non-Finnish European, 0.000085%; no homozygotes.

Submission:

GeneDx
Classification: Uncertain significance. Last evaluated: 2020-01-20. Review status: criteria provided, single submitter. Criteria: GeneDx Variant Classification Process June 2021. Collection method: clinical testing. Allele origin: germline. Affected: yes.
Comment: Not observed in large population cohorts (Lek et al., 2016); In silico analysis, which includes protein predictors and evolutionary conservation, supports a deleterious effect; Has not been previously published as pathogenic or benign to our knowledge

NM_014629.4(ARHGEF10):c.1195T>A (p.Tyr399Asn)

Gene: ARHGEF10 (Rho guanine nucleotide exchange factor 10; plus strand). Cytogenetic location: 8p23.3.
Variant type: single nucleotide variant.
Coding change: c.1195T>A on transcript NM_014629.4 (MANE Select); coding-DNA position 1195, T replaced by A.
Protein change: p.Tyr399Asn; replaces tyrosine 399 with asparagine.
Molecular consequence: missense variant.
Genome position (GRCh38, 1-based): chr8:1,893,581, T>A. VCF-style: chr8-1893581-T-A. GRCh37 (hg19) VCF-style: chr8-1841747-T-A.
Other names: c.1081T>A, p.Tyr361Asn (NM_001308152.2); c.1198T>A, p.Tyr400Asn (NM_001308153.3); short protein forms Y361N, Y399N, Y424N, Y400N.
Identifiers: ClinVar variation 1315214 (VCV001315214.2), dbSNP rs1809722758, ClinGen allele CA369958610.